The following is an entry in ClinVar:

NM_021098.3(CACNA1H):c.5458G>A (p.Glu1820Lys)

Gene: CACNA1H (calcium voltage-gated channel subunit alpha1 H; plus strand). Cytogenetic location: 16p13.3.
Variant type: single nucleotide variant.
Coding change: c.5458G>A on transcript NM_021098.3 (MANE Select); coding-DNA position 5458, G replaced by A.
Protein change: p.Glu1820Lys; replaces glutamic acid 1820 with lysine.
Molecular consequence: missense variant.
Genome position (GRCh38, 1-based): chr16:1,218,222, G>A. VCF-style: chr16-1218222-G-A. GRCh37 (hg19) VCF-style: chr16-1268222-G-A.
Other names: c.5440G>A, p.Glu1814Lys (NM_001005407.2); short protein forms E1820K, E1814K.
Identifiers: ClinVar variation 579650 (VCV000579650.10), dbSNP rs768988866, ClinGen allele CA7802045.

ClinVar aggregate classification (germline): Uncertain significance. Review status: criteria provided, multiple submitters, no conflicts (2 of 4 stars). 3 submissions from 3 submitters: Uncertain significance (3). Last evaluated 2025-10-28.

Conditions:
Idiopathic generalized epilepsy. Also called: Generalised epilepsy; EIG. Identifiers: MedGen C0270850, MONDO:0005579, OMIM 600669.
Hyperaldosteronism, familial, type IV (HALD4). Also called: FH IV; ALDOSTERONISM, PRIMARY, AND HYPERTENSION. Identifiers: Orphanet 642671, MedGen C4310756, MONDO:0014875, OMIM 617027.

Allele frequency attached by ClinVar (database versions not stated): gnomAD 0.00001 and 0.00002; gnomAD exomes 0.00001; TOPMed 0.00003; ExAC 0.00005.
gnomAD v4.1: 15 of 1,549,456 alleles (0.00097%); highest among the groups gnomAD compares: African/African-American, 0.0027%; no homozygotes.

Submissions (3):

Women's Health and Genetics/Laboratory Corporation of America, LabCorp
Classification: Uncertain significance. Last evaluated: 2025-10-28. Review status: criteria provided, single submitter. Criteria: LabCorp Variant Classification Summary - May 2015. Collection method: clinical testing. Allele origin: germline.
Comment: Variant summary: CACNA1H c.5458G>A (p.Glu1820Lys) results in a conservative amino acid change in the encoded protein sequence. Algorithms developed to predict the effect of missense changes on protein structure and function are either unavailable or do not agree on the potential impact of this missense change. The variant allele was found at a frequency of 6.5e-06 in 154454 control chromosomes. The available data on variant occurrences in the general population are insufficient to allow any conclusion about variant significance. To our knowledge, no occurrence of c.5458G>A in individuals affected with CACNA1H-related conditions and no experimental evidence demonstrating its impact on protein function have been reported. ClinVar contains an entry for this variant (Variation ID: 579650). Based on the evidence outlined above, the variant was classified as uncertain significance.

Labcorp Genetics (formerly Invitae), Labcorp
Classification: Uncertain significance for Idiopathic generalized epilepsy; Hyperaldosteronism, familial, type IV. Last evaluated: 2022-06-14. Review status: criteria provided, single submitter. Criteria: Invitae Variant Classification Sherloc (09022015). Collection method: clinical testing. Allele origin: germline.
Comment: ClinVar contains an entry for this variant (Variation ID: 579650). This sequence change replaces glutamic acid, which is acidic and polar, with lysine, which is basic and polar, at codon 1820 of the CACNA1H protein (p.Glu1820Lys). This variant is not present in population databases (gnomAD no frequency). This variant has not been reported in the literature in individuals affected with CACNA1H-related conditions. Advanced modeling of protein sequence and biophysical properties (such as structural, functional, and spatial information, amino acid conservation, physicochemical variation, residue mobility, and thermodynamic stability) performed at Invitae indicates that this missense variant is not expected to disrupt CACNA1H protein function. In summary, the available evidence is currently insufficient to determine the role of this variant in disease. Therefore, it has been classified as a Variant of Uncertain Significance.

Blueprint Genetics
Classification: Uncertain significance. Last evaluated: 2021-12-21. Review status: criteria provided, single submitter. Criteria: ACMG Guidelines, 2015. Collection method: clinical testing. Allele origin: germline.